The following is an entry in ClinVar:

NM_000492.4(CFTR):c.2057C>A (p.Ser686Tyr)

Gene: CFTR (CF transmembrane conductance regulator; plus strand). Cytogenetic location: 7q31.2.
Variant type: single nucleotide variant.
Coding change: c.2057C>A on transcript NM_000492.4 (MANE Select); coding-DNA position 2057, C replaced by A.
Protein change: p.Ser686Tyr; replaces serine 686 with tyrosine.
Molecular consequence: missense variant.
Genome position (GRCh38, 1-based): chr7:117,592,224, C>A. VCF-style: chr7-117592224-C-A. GRCh37 (hg19) VCF-style: chr7-117232278-C-A.
Other names: p.Ser686Tyr; short protein forms S686Y.
Identifiers: ClinVar variation 550500 (VCV000550500.28), dbSNP rs201444561, ClinGen allele CA4451135.

ClinVar aggregate classification (germline): Uncertain significance. Review status: criteria provided, multiple submitters, no conflicts (2 of 4 stars). 12 submissions from 12 submitters: Uncertain significance (10). 2 of the submissions do not count toward it. Last evaluated 2026-04-13.

Conditions:
CFTR-related disorder (CFTR-RD). Also called: CFTR-related disorders; CFTR-related condition. Identifiers: MedGen C5924204, MONDO:7770004.
Cystic fibrosis (CF). Also called: MUCOVISCIDOSIS. Identifiers: Orphanet 586, MedGen C0010674, MONDO:0009061, OMIM 219700. Disease mechanism: loss of function.

Allele frequency attached by ClinVar (database versions not stated): gnomAD 0.00005; gnomAD exomes 0.00007 and 0.00009; ExAC 0.00008; TOPMed 0.00008.
gnomAD v4.1: 152 of 1,613,650 alleles (0.0094%); highest among the groups gnomAD compares: Middle Eastern, 0.016%; 1 homozygote.

Submissions (12):

PreventionGenetics, part of Exact Sciences
Classification: Uncertain significance for CFTR-related condition. Last evaluated: 2026-04-13. Review status: criteria provided, single submitter. Criteria: ACMG Guidelines, 2015. Collection method: clinical testing. Allele origin: germline.
Comment: The CFTR c.2057C>A variant is predicted to result in the amino acid substitution p.Ser686Tyr. This variant has been reported in individuals with primary sclerosing cholangitis (Sheth et al. 2003. PubMed ID: 12783301; Gallegos-Orozco et al. 2005. PubMed ID: 15784035) and in the literature in at least two individuals with cystic fibrosis (CF) (Sontag et al. 2016. PubMed ID: 27131402; da Silva Filho et al. 2020. PubMed ID: 32819855). In the CFTR-France database (?), it was reported on the opposite allele (in trans) from a CF-causing variant in two asymptomatic individuals (Patient IDs 370, 2819) and in the heterozygous state in an individual with pancreatitis (Patient ID 5371). This variant is absent from the CFTR2 database. It is reported in 0.078% of alleles in individuals of Ashkenazi Jewish descent in gnomAD. Although we suspect that this variant may be pathogenic, at this time, the clinical significance of this variant is uncertain due to the absence of conclusive functional and genetic evidence.

Women's Health and Genetics/Laboratory Corporation of America, LabCorp
Classification: Uncertain significance. Last evaluated: 2025-08-15. Review status: criteria provided, single submitter. Criteria: LabCorp Variant Classification Summary - May 2015. Collection method: clinical testing. Allele origin: germline.
Comment: Variant summary: CFTR c.2057C>A (p.Ser686Tyr) results in a non-conservative amino acid change located in the CFTR regulator domain (IPR025837) of the encoded protein sequence. Algorithms developed to predict the effect of missense changes on protein structure and function all suggest that this variant is likely to be disruptive. The variant allele was found at a frequency of 7.2e-05 in 248868 control chromosomes. This frequency is not significantly higher than estimated for a pathogenic variant in CFTR causing Cystic Fibrosis (7.2e-05 vs 0.013), allowing no conclusion about variant significance. c.2057C>A has been observed in a patient affected with primary sclerosing cholangitis (Sheth_2003), and in an individual with pancreatic ductal adenocarcinoma (Zimmermann_2021). The variant was also reported in an individual affected with asthenospermia (Sickkids database), and cystic fibrosis (da Silva Filho_2020), however, no other variants in the second allele were specified. On the other hand, the variant was found in two asymptomatic compound heterozygotes, with the pathogenic c.1521_1523del (F508del) variant in trans (Claustres_2017). These reports do not provide unequivocal conclusions about association of the variant with Cystic Fibrosis. At least one publication reports experimental evidence evaluating an impact on protein function. The most pronounced variant effect resulted in approximately 82% of normal chloride channel conductance relative to wild type (Bihler_2024). The following publications have been ascertained in the context of this evaluation (PMID: 12783301, 19324992, 23503723, 15784035, 25735457, 28603918, 27131402, 32819855, 33747920, 38388235). ClinVar contains an entry for this variant (Variation ID: 550500). Based on the evidence outlined above, the variant was classified as uncertain significance.

Labcorp Genetics (formerly Invitae), Labcorp
Classification: Uncertain significance for Cystic fibrosis. Last evaluated: 2025-01-14. Review status: criteria provided, single submitter. Criteria: Invitae Variant Classification Sherloc (09022015). Collection method: clinical testing. Allele origin: germline.
Comment: This sequence change replaces serine, which is neutral and polar, with tyrosine, which is neutral and polar, at codon 686 of the CFTR protein (p.Ser686Tyr). This variant is present in population databases (rs201444561, gnomAD 0.07%). This missense change has been observed in individual(s) with cystic fibrosis (PMID: 27131402). ClinVar contains an entry for this variant (Variation ID: 550500). Invitae Evidence Modeling of protein sequence and biophysical properties (such as structural, functional, and spatial information, amino acid conservation, physicochemical variation, residue mobility, and thermodynamic stability) indicates that this missense variant is expected to disrupt CFTR protein function with a positive predictive value of 80%. In summary, the available evidence is currently insufficient to determine the role of this variant in disease. Therefore, it has been classified as a Variant of Uncertain Significance.

Blueprint Genetics
Classification: Uncertain significance. Last evaluated: 2024-10-24. Review status: criteria provided, single submitter. Criteria: ACMG Guidelines, 2015. Collection method: clinical testing. Allele origin: germline.

Ambry Genetics
Classification: Uncertain significance for Cystic fibrosis. Last evaluated: 2024-02-20. Review status: criteria provided, single submitter. Criteria: Ambry Variant Classification Scheme 2023. Collection method: clinical testing. Allele origin: germline.
Comment: The p.S686Y variant (also known as c.2057C>A), located in coding exon 14 of the CFTR gene, results from a C to A substitution at nucleotide position 2057. The serine at codon 686 is replaced by tyrosine, an amino acid with dissimilar properties. This variant was identified in an individual with primary sclerosing cholangitis (Sheth S et al. Hum. Genet., 2003 Aug;113:286-92). In addition, this variant was detected in conjunction with other CFTR variants; however, detailed clinical or phase information was not provided (Zhou L et al. Clin. Chem., 2013 Jul;59:1052-61; Sontag MK et al. J. Pediatr., 2016 08;175:150-158.e1). In one study, this variant was identified in two asymptomatic carriers in conjunction with p.F508del (Claustres M et al. Hum. Mutat., 2017 10;38:1297-1315). This amino acid position is well conserved in available vertebrate species. In addition, this alteration is predicted to be deleterious by in silico analysis. Based on available evidence to date, the clinical significance of this alteration remains unclear.

Mayo Clinic Laboratories, Mayo Clinic
Classification: Uncertain significance. Last evaluated: 2022-09-20. Review status: criteria provided, single submitter. Criteria: ACMG Guidelines, 2015. Collection method: clinical testing. Allele origin: germline. Observed: 1 variant allele.
Comment: PP3

Genome-Nilou Lab
Classification: Uncertain significance for Cystic fibrosis. Last evaluated: 2021-09-05. Review status: criteria provided, single submitter. Criteria: ACMG Guidelines, 2015. Collection method: clinical testing. Allele origin: germline. Affected: no.

Mendelics
Classification: Uncertain significance for Cystic fibrosis. Last evaluated: 2018-11-05. Review status: criteria provided, single submitter. Criteria: Mendelics Assertion Criteria 2017. Collection method: clinical testing. Allele origin: unknown. Affected: yes.

Illumina Laboratory Services, Illumina
Classification: Uncertain significance for CFTR-Related Disorders. Last evaluated: 2017-04-27. Review status: criteria provided, single submitter. Criteria: ICSL Variant Classification Criteria 13 December 2019. Collection method: clinical testing. Allele origin: germline.
Comment: This variant was observed as part of a predisposition screen in an ostensibly healthy population. A literature search was performed for the gene, cDNA change, and amino acid change (where applicable). Publications were found based on this search. However, the evidence from the literature, in combination with allele frequency data from public databases where available, was not sufficient to rule this variant in or out of causing disease. Therefore, this variant is classified as a variant of unknown significance.

Breakthrough Genomics
Classification: Uncertain significance. Review status: criteria provided, single submitter. Criteria: ACMG Guidelines, 2015. Collection method: not provided. Allele origin: germline. Inheritance: Autosomal recessive inheritance. Affected: yes.

Natera, Inc.
Classification: Uncertain significance for CFTR-related disorders. Last evaluated: 2018-05-26. Review status: no assertion criteria provided. Collection method: clinical testing. Allele origin: germline. Not counted in ClinVar's aggregate classification.

Counsyl
Classification: Uncertain significance for Cystic fibrosis. Last evaluated: 2017-01-30. Review status: no assertion criteria provided. Collection method: clinical testing. Allele origin: unknown. Not counted in ClinVar's aggregate classification.

Literature cited by the submitters: PubMed 12783301 (cited by 4 submitters); PubMed 19324992 (cited by 3 submitters); PubMed 23503723 (cited by 3 submitters); PubMed 15784035 (cited by Women's Health and Genetics/Laboratory Corporation of America, LabCorp and Mayo Clinic Laboratories, Mayo Clinic); PubMed 25735457 (cited by Women's Health and Genetics/Laboratory Corporation of America, LabCorp); PubMed 28603918 (cited by 3 submitters); PubMed 27131402 (cited by 5 submitters); PubMed 32819855 (cited by Women's Health and Genetics/Laboratory Corporation of America, LabCorp and Mayo Clinic Laboratories, Mayo Clinic); PubMed 33747920 (cited by Women's Health and Genetics/Laboratory Corporation of America, LabCorp and Mayo Clinic Laboratories, Mayo Clinic); PubMed 38388235 (cited by Women's Health and Genetics/Laboratory Corporation of America, LabCorp).